The following is an entry in ClinVar:

NM_005431.2(XRCC2):c.619G>A (p.Glu207Lys)

Gene: XRCC2 (X-ray repair cross complementing 2; minus strand). Cytogenetic location: 7q36.1.
Variant type: single nucleotide variant.
Coding change: c.619G>A on transcript NM_005431.2 (MANE Select); coding-DNA position 619, G replaced by A.
Protein change: p.Glu207Lys; replaces glutamic acid 207 with lysine.
Molecular consequence: missense variant.
Genome position (GRCh38, 1-based): chr7:152,648,866, C>T on the plus strand (G>A on the coding strand, the complement: XRCC2 is on the minus strand). VCF-style: chr7-152648866-C-T. GRCh37 (hg19) VCF-style: chr7-152345951-C-T.
Other names: c.619G>A (NM_005431.1); short protein forms E207K.
Identifiers: ClinVar variation 1007252 (VCV001007252.9), dbSNP rs779225995, ClinGen allele CA370198308.

ClinVar aggregate classification (germline): Uncertain significance. Review status: criteria provided, multiple submitters, no conflicts (2 of 4 stars). 2 submissions from 2 submitters: Uncertain significance (2). Last evaluated 2026-05-26.

Conditions:
Hereditary cancer-predisposing syndrome. Also called: Hereditary neoplastic syndrome; Neoplastic Syndromes, Hereditary; Tumor predisposition; Hereditary Cancer Syndrome. Identifiers: Orphanet 140162, MedGen C0027672, MeSH D009386, MONDO:0015356.

gnomAD v4.1: 2 of 1,613,968 alleles (0.00012%); highest among the groups gnomAD compares: Non-Finnish European, 0.00017%; no homozygotes.

Submissions (2):

Ambry Genetics
Classification: Uncertain significance for Hereditary cancer-predisposing syndrome. Last evaluated: 2026-05-26. Review status: criteria provided, single submitter. Criteria: Ambry Variant Classification Scheme 2023. Collection method: clinical testing. Allele origin: germline.
Comment: The p.E207K variant (also known as c.619G>A), located in coding exon 3 of the XRCC2 gene, results from a G to A substitution at nucleotide position 619. The glutamic acid at codon 207 is replaced by lysine, an amino acid with similar properties. This amino acid position is conserved. In addition, this alteration is predicted to be tolerated by in silico analysis. Based on the available evidence, the clinical significance of this variant remains unclear.

Labcorp Genetics (formerly Invitae), Labcorp
Classification: Uncertain significance. Last evaluated: 2017-01-23. Review status: criteria provided, single submitter. Criteria: Invitae Variant Classification Sherloc (09022015). Collection method: clinical testing. Allele origin: germline.
Comment: Algorithms developed to predict the effect of missense changes on protein structure and function do not agree on the potential impact of this missense change (SIFT: "Tolerated"; PolyPhen-2: "Possibly Damaging"; Align-GVGD: "Class C0"). In summary, this variant is a novel missense change with uncertain impact on protein function. It has been classified as a Variant of Uncertain Significance. This variant is not present in population databases (ExAC no frequency) and has not been reported in the literature in individuals with a XRCC2-related disease. This sequence change replaces glutamic acid with lysine at codon 207 of the XRCC2 protein (p.Glu207Lys). The glutamic acid residue is highly conserved and there is a small physicochemical difference between glutamic acid and lysine.